The following is an entry in ClinVar:

ClinVar aggregate classification (germline): Likely benign (1 of 4 stars; one submission).

Allele frequency attached by ClinVar (database versions not stated): gnomAD exomes 0.00022; TOPMed 0.00025; gnomAD 0.00027; ExAC 0.00044; ESP Exome Variant Server 0.00054.

Submission:

CeGaT Center for Human Genetics Tuebingen
Classification: Likely benign. Last evaluated: 2023-01-01. Review status: criteria provided, single submitter. Criteria: CeGaT Center For Human Genetics Tuebingen Variant Classification Criteria Version 2. Collection method: clinical testing. Allele origin: germline. Affected: yes. Observed: 1 variant allele.
Comment: ZC3H3: BP4, BP7

NM_015117.3(ZC3H3):c.1554C>G (p.Thr518=)

Gene: ZC3H3 (zinc finger CCCH-type containing 3; minus strand). Cytogenetic location: 8q24.3.
Variant type: single nucleotide variant.
Coding change: c.1554C>G on transcript NM_015117.3 (MANE Select); coding-DNA position 1554, C replaced by G.
Protein change: p.Thr518=; no amino-acid change (threonine 518 retained).
Molecular consequence: synonymous variant.
Genome position (GRCh38, 1-based): chr8:143,536,264, G>C on the plus strand (C>G on the coding strand, the complement: ZC3H3 is on the minus strand). VCF-style: chr8-143536264-G-C. GRCh37 (hg19) VCF-style: chr8-144618434-G-C.
Identifiers: ClinVar variation 2658898 (VCV002658898.24), dbSNP rs149514479, ClinGen allele CA4910536.
Genomic context (GRCh38, chr8:143,536,264, plus strand): 5'-ATCCCATCAGGCAGGCCCAGCCCCAGTGCCCAGCGCCCCTGCTCCCAGCATACCTTCCTT[G>C]GTGGGGAGGTGGGCCCGGCTCGGTGGCAGGCGACATAGTCGGTGCGTGGTGACCTGTACC-3'
Protein context (NP_055932.2, residues 508-528): RLPPSRAHLP[Thr518=]KEASSLHAVR